The following is an entry in ClinVar:

ClinVar aggregate classification (germline): Uncertain significance. Review status: criteria provided, multiple submitters, no conflicts (2 of 4 stars). 2 submissions from 2 submitters: Uncertain significance (2). Last evaluated 2024-10-13.

Allele frequency attached by ClinVar (database versions not stated): gnomAD 0.00001; gnomAD exomes 0.00001; TOPMed 0.00002.
gnomAD v4.1: 19 of 1,549,468 alleles (0.0012%); highest among the groups gnomAD compares: Middle Eastern, 0.05%; no homozygotes.

Submissions (2):

Revvity Omics, Revvity
Classification: Uncertain significance. Last evaluated: 2024-10-13. Review status: criteria provided, single submitter. Criteria: ACMG Guidelines, 2015. Collection method: clinical testing. Allele origin: germline.

Labcorp Genetics (formerly Invitae), Labcorp
Classification: Uncertain significance. Last evaluated: 2024-02-17. Review status: criteria provided, single submitter. Criteria: Invitae Variant Classification Sherloc (09022015). Collection method: clinical testing. Allele origin: germline.
Comment: This sequence change replaces arginine, which is basic and polar, with cysteine, which is neutral and slightly polar, at codon 1340 of the PIEZO1 protein (p.Arg1340Cys). This variant is not present in population databases (gnomAD no frequency). This missense change has been observed in individual(s) with clinical features of PIEZO1-related conditions (PMID: 31340627). Advanced modeling of protein sequence and biophysical properties (such as structural, functional, and spatial information, amino acid conservation, physicochemical variation, residue mobility, and thermodynamic stability) performed at Invitae indicates that this missense variant is not expected to disrupt PIEZO1 protein function with a negative predictive value of 80%. In summary, the available evidence is currently insufficient to determine the role of this variant in disease. Therefore, it has been classified as a Variant of Uncertain Significance.

Literature cited by the submitters: PubMed 31340627 (cited by Labcorp Genetics (formerly Invitae), Labcorp).

NM_001142864.4(PIEZO1):c.4018C>T (p.Arg1340Cys)

Gene: PIEZO1 (piezo type mechanosensitive ion channel component 1 (Er blood group); minus strand). Cytogenetic location: 16q24.3.
Variant type: single nucleotide variant.
Coding change: c.4018C>T on transcript NM_001142864.4 (MANE Select); coding-DNA position 4018, C replaced by T.
Protein change: p.Arg1340Cys; replaces arginine 1340 with cysteine.
Molecular consequence: missense variant.
Genome position (GRCh38, 1-based): chr16:88,725,635, G>A on the plus strand (C>T on the coding strand, the complement: PIEZO1 is on the minus strand). VCF-style: chr16-88725635-G-A. GRCh37 (hg19) VCF-style: chr16-88792043-G-A.
Other names: c.2560C>T, p.Arg854Cys (NM_014745.1); short protein forms R1340C, R854C.
Identifiers: ClinVar variation 2689748 (VCV002689748.5), dbSNP rs888911518, ClinGen allele CA286412962.
Genomic context (GRCh38, chr16:88,725,635, plus strand): 5'-CCCGCCCCAGAGGCACCTACTGTCTTTTCAGCTGGGCCAGGGACTTCTCCTCTATCCTGC[G>A]GTGAAAGTCAATGCTCTTGAGGTTGGCAGCGTTGTAGAGGGCGAAGCCCCTGTAGGGAGG-3'
Protein context (NP_001136336.2, residues 1330-1350): AANLKSIDFH[Arg1340Cys]RIEEKSLAQL